The following is an entry in ClinVar:

NM_001429.4(EP300):c.5239C>G (p.Gln1747Glu)

Gene: EP300 (EP300 lysine acetyltransferase; plus strand). Cytogenetic location: 22q13.2.
Variant type: single nucleotide variant.
Coding change: c.5239C>G on transcript NM_001429.4 (MANE Select); coding-DNA position 5239, C replaced by G.
Protein change: p.Gln1747Glu; replaces glutamine 1747 with glutamic acid.
Molecular consequence: missense variant.
Genome position (GRCh38, 1-based): chr22:41,176,950, C>G. VCF-style: chr22-41176950-C-G. GRCh37 (hg19) VCF-style: chr22-41572954-C-G.
Other names: c.5161C>G, p.Gln1721Glu (NM_001362843.2); short protein forms Q1721E, Q1747E.
Identifiers: ClinVar variation 4082745 (VCV004082745.1).

ClinVar aggregate classification (germline): Uncertain significance (1 of 4 stars; one submission).

Submission:

GeneDx
Classification: Uncertain significance. Last evaluated: 2025-03-06. Review status: criteria provided, single submitter. Criteria: GeneDx Variant Classification Process June 2021. Collection method: clinical testing. Allele origin: germline. Affected: yes.
Comment: Not observed at significant frequency in large population cohorts (gnomAD); In silico analysis supports that this missense variant has a deleterious effect on protein structure/function; Has not been previously published as pathogenic or benign to our knowledge